The following is an entry in ClinVar:

ClinVar aggregate classification (germline): Uncertain significance (1 of 4 stars; one submission).

Allele frequency attached by ClinVar (database versions not stated): gnomAD 0.00001; ExAC 0.00002; TOPMed 0.00003.
gnomAD v4.1: 17 of 1,613,738 alleles (0.0011%); highest among the groups gnomAD compares: Middle Eastern, 0.016%; no homozygotes.

Submission:

Labcorp Genetics (formerly Invitae), Labcorp
Classification: Uncertain significance. Last evaluated: 2023-10-16. Review status: criteria provided, single submitter. Criteria: Invitae Variant Classification Sherloc (09022015). Collection method: clinical testing. Allele origin: germline.
Comment: This sequence change replaces arginine, which is basic and polar, with cysteine, which is neutral and slightly polar, at codon 755 of the MERTK protein (p.Arg755Cys). This variant is present in population databases (rs766586677, gnomAD 0.007%). This variant has not been reported in the literature in individuals affected with MERTK-related conditions. ClinVar contains an entry for this variant (Variation ID: 1922687). Advanced modeling of protein sequence and biophysical properties (such as structural, functional, and spatial information, amino acid conservation, physicochemical variation, residue mobility, and thermodynamic stability) performed at Invitae indicates that this missense variant is expected to disrupt MERTK protein function. In summary, the available evidence is currently insufficient to determine the role of this variant in disease. Therefore, it has been classified as a Variant of Uncertain Significance.

NM_006343.3(MERTK):c.2263C>T (p.Arg755Cys)

Gene: MERTK (MER proto-oncogene, tyrosine kinase; plus strand). Cytogenetic location: 2q13.
Variant type: single nucleotide variant.
Coding change: c.2263C>T on transcript NM_006343.3 (MANE Select); coding-DNA position 2263, C replaced by T.
Protein change: p.Arg755Cys; replaces arginine 755 with cysteine.
Molecular consequence: missense variant.
Genome position (GRCh38, 1-based): chr2:112,021,495, C>T. VCF-style: chr2-112021495-C-T. GRCh37 (hg19) VCF-style: chr2-112779072-C-T.
Other names: short protein forms R755C.
Identifiers: ClinVar variation 1922687 (VCV001922687.5), dbSNP rs766586677, ClinGen allele CA1831786.